The following is an entry in ClinVar:

ClinVar aggregate classification (germline): Uncertain significance (1 of 4 stars; one submission).

gnomAD v4.1: 1 of 1,614,216 alleles (0.000062%); highest among the groups gnomAD compares: East Asian, 0.0022%; no homozygotes.

Submission:

Ambry Genetics
Classification: Uncertain significance. Last evaluated: 2022-04-28. Review status: criteria provided, single submitter. Criteria: Ambry Variant Classification Scheme 2023. Collection method: clinical testing. Allele origin: germline.
Comment: The p.L201F variant (also known as c.603A>C), located in coding exon 7 of the RAD54L gene, results from an A to C substitution at nucleotide position 603. The leucine at codon 201 is replaced by phenylalanine, an amino acid with highly similar properties. This amino acid position is conserved. In addition, this alteration is predicted to be deleterious by in silico analysis. Since supporting evidence is limited at this time, the clinical significance of this alteration remains unclear.

NM_003579.4(RAD54L):c.603A>C (p.Leu201Phe)

Gene: RAD54L (RAD54 like; plus strand). Cytogenetic location: 1p34.1.
Variant type: single nucleotide variant.
Coding change: c.603A>C on transcript NM_003579.4 (MANE Select); coding-DNA position 603, A replaced by C.
Protein change: p.Leu201Phe; replaces leucine 201 with phenylalanine.
Molecular consequence: missense variant.
Genome position (GRCh38, 1-based): chr1:46,260,852, A>C. VCF-style: chr1-46260852-A-C. GRCh37 (hg19) VCF-style: chr1-46726524-A-C.
Other names: c.603A>C, p.Leu201Phe (NM_001142548.2); c.63A>C, p.Leu21Phe (NM_001370766.1); short protein forms L201F, L21F.
Identifiers: ClinVar variation 1751207 (VCV001751207.2), dbSNP rs768343965, ClinGen allele CA340186495.
Genomic context (GRCh38, chr1:46,260,852, plus strand): 5'-GGCTGATGAGATGGGCCTAGGAAAGACGCTGCAGTGCATCACATTGATGTGGACACTTTT[A>C]CGCCAGAGTCCAGAGTGCAAGCCAGAAATTGACAAGGCAGTGGTGGTGTCGCCTTCCAGC-3'
Protein context (NP_003570.2, residues 191-211): LQCITLMWTL[Leu201Phe]RQSPECKPEI